The following is an entry in ClinVar:

ClinVar aggregate classification (germline): Uncertain significance (1 of 4 stars; one submission).

Submission:

Labcorp Genetics (formerly Invitae), Labcorp
Classification: Uncertain significance. Last evaluated: 2022-02-08. Review status: criteria provided, single submitter. Criteria: Invitae Variant Classification Sherloc (09022015). Collection method: clinical testing. Allele origin: germline.
Comment: This sequence change replaces serine, which is neutral and polar, with asparagine, which is neutral and polar, at codon 606 of the TRPM1 protein (p.Ser606Asn). This variant is not present in population databases (gnomAD no frequency). This variant has not been reported in the literature in individuals affected with TRPM1-related conditions. Algorithms developed to predict the effect of missense changes on protein structure and function are either unavailable or do not agree on the potential impact of this missense change (SIFT: "Tolerated"; PolyPhen-2: "Possibly Damaging"; Align-GVGD: "Class C0"). In summary, the available evidence is currently insufficient to determine the role of this variant in disease. Therefore, it has been classified as a Variant of Uncertain Significance.

NM_001252024.2(TRPM1):c.1883G>A (p.Ser628Asn)

Gene: TRPM1 (transient receptor potential cation channel subfamily M member 1; minus strand). Cytogenetic location: 15q13.3.
Variant type: single nucleotide variant.
Coding change: c.1883G>A on transcript NM_001252024.2 (MANE Select); coding-DNA position 1883, G replaced by A.
Protein change: p.Ser628Asn; replaces serine 628 with asparagine.
Molecular consequence: missense variant.
Genome position (GRCh38, 1-based): chr15:31,042,155, C>T on the plus strand (G>A on the coding strand, the complement: TRPM1 is on the minus strand). VCF-style: chr15-31042155-C-T. GRCh37 (hg19) VCF-style: chr15-31334358-C-T.
Other names: c.1934G>A, p.Ser645Asn (NM_001252020.2); c.1817G>A, p.Ser606Asn (NM_002420.6); short protein forms S628N, S606N, S645N.
Identifiers: ClinVar variation 2095228 (VCV002095228.4), dbSNP rs2033636787, ClinGen allele CA391512511.